The following is an entry in ClinVar:

ClinVar aggregate classification (germline): Likely benign. Review status: criteria provided, multiple submitters, no conflicts (2 of 4 stars). 2 submissions from 2 submitters: Likely benign (2). Last evaluated 2023-12-20.

Allele frequency attached by ClinVar (database versions not stated): gnomAD exomes 0.00001; TOPMed 0.00002; gnomAD 0.00004.
gnomAD v4.1: 18 of 1,551,580 alleles (0.0012%); highest among the groups gnomAD compares: African/African-American, 0.0041%; no homozygotes.

Submissions (2):

Labcorp Genetics (formerly Invitae), Labcorp
Classification: Likely benign. Last evaluated: 2023-12-20. Review status: criteria provided, single submitter. Criteria: Invitae Variant Classification Sherloc (09022015). Collection method: clinical testing. Allele origin: germline.

GeneDx
Classification: Likely benign. Last evaluated: 2017-10-27. Review status: criteria provided, single submitter. Criteria: GeneDx Variant Classification (06012015). Collection method: clinical testing. Allele origin: germline. Affected: yes.
Comment: This variant is considered likely benign or benign based on one or more of the following criteria: it is a conservative change, it occurs at a poorly conserved position in the protein, it is predicted to be benign by multiple in silico algorithms, and/or has population frequency not consistent with disease.

NM_001384474.1(LOXHD1):c.1071C>T (p.Pro357=)

Gene: LOXHD1 (lipoxygenase homology PLAT domains 1; minus strand). Cytogenetic location: 18q21.1.
Variant type: single nucleotide variant.
Coding change: c.1071C>T on transcript NM_001384474.1 (MANE Select); coding-DNA position 1071, C replaced by T.
Protein change: p.Pro357=; no amino-acid change (proline 357 retained).
Molecular consequence: synonymous variant.
Genome position (GRCh38, 1-based): chr18:46,601,280, G>A on the plus strand (C>T on the coding strand, the complement: LOXHD1 is on the minus strand). VCF-style: chr18-46601280-G-A. GRCh37 (hg19) VCF-style: chr18-44181243-G-A.
Other names: c.1071C>T, p.Pro357= (NM_144612.7).
Identifiers: ClinVar variation 513076 (VCV000513076.9), dbSNP rs1391986865, ClinGen allele CA503985928.